The following is an entry in ClinVar:

ClinVar aggregate classification (germline): Uncertain significance (1 of 4 stars; one submission).

Conditions:
Mowat-Wilson syndrome (MOWS). Also called: Classic Mowat-Wilson Syndrome. Identifiers: Orphanet 2152, MedGen C1856113, MONDO:0009341, OMIM 235730.

gnomAD v4.1: 2 of 1,614,008 alleles (0.00012%); highest among the groups gnomAD compares: Non-Finnish European, 0.00017%; no homozygotes.

Submission:

Labcorp Genetics (formerly Invitae), Labcorp
Classification: Uncertain significance for Mowat-Wilson syndrome. Last evaluated: 2025-04-23. Review status: criteria provided, single submitter. Criteria: Invitae Variant Classification Sherloc (09022015). Collection method: clinical testing. Allele origin: germline.
Comment: This sequence change replaces arginine, which is basic and polar, with cysteine, which is neutral and slightly polar, at codon 988 of the ZEB2 protein (p.Arg988Cys). This variant is not present in population databases (gnomAD no frequency). This variant has not been reported in the literature in individuals affected with ZEB2-related conditions. Invitae Evidence Modeling of protein sequence and biophysical properties (such as structural, functional, and spatial information, amino acid conservation, physicochemical variation, residue mobility, and thermodynamic stability) indicates that this missense variant is not expected to disrupt ZEB2 protein function with a negative predictive value of 80%. In summary, the available evidence is currently insufficient to determine the role of this variant in disease. Therefore, it has been classified as a Variant of Uncertain Significance.

NM_014795.4(ZEB2):c.2962C>T (p.Arg988Cys)

Gene: ZEB2 (zinc finger E-box binding homeobox 2; minus strand). Cytogenetic location: 2q22.3.
Variant type: single nucleotide variant.
Coding change: c.2962C>T on transcript NM_014795.4 (MANE Select); coding-DNA position 2962, C replaced by T.
Protein change: p.Arg988Cys; replaces arginine 988 with cysteine.
Molecular consequence: missense variant.
Genome position (GRCh38, 1-based): chr2:144,396,517, G>A on the plus strand (C>T on the coding strand, the complement: ZEB2 is on the minus strand). VCF-style: chr2-144396517-G-A. GRCh37 (hg19) VCF-style: chr2-145154084-G-A.
Other names: c.2890C>T, p.Arg964Cys (NM_001171653.2); short protein forms R964C, R988C.
Identifiers: ClinVar variation 4708916 (VCV004708916.1).
Genomic context (GRCh38, chr2:144,396,517, plus strand): 5'-ATGTCTTGTCACATAAGTCACATGCATACATGCCACTCTCTGTCTTCTTGATCTTTTTGC[G>A]AGACAGACAGGAGTCGGAGTCTGTCATATCATCTAGGCCTGACATGTAGTCTTGTGCTCC-3'
Protein context (NP_055610.1, residues 978-998): DMTDSDSCLS[Arg988Cys]KKIKKTESGM